The following is an entry in ClinVar:

NM_021267.5(CERS1):c.81G>C (p.Trp27Cys)

Genes: CERS1 (ceramide synthase 1; minus strand), GDF1 (growth differentiation factor 1; minus strand). Cytogenetic location: 19p13.11.
Variant type: single nucleotide variant.
Coding change: c.81G>C on transcript NM_021267.5 (MANE Select); coding-DNA position 81, G replaced by C.
Protein change: p.Trp27Cys; replaces tryptophan 27 with cysteine.
Molecular consequence: missense variant. On other transcripts: 5 prime UTR variant (4), intron variant (3).
Genome position (GRCh38, 1-based): chr19:18,895,992, C>G on the plus strand (G>C on the coding strand, the complement: CERS1 is on the minus strand). VCF-style: chr19-18895992-C-G. GRCh37 (hg19) VCF-style: chr19-19006801-C-G.
Other names: c.81G>C, p.Trp27Cys (NM_001387439.1, NM_001387440.1, NM_001387441.1 and 1 more transcripts); c.-448G>C (NM_001387444.1); c.-395G>C (NM_001387445.1); c.-822G>C (NM_001387438.1); c.-1242G>C (NM_001492.6); c.-46+734G>C (NM_001387443.1); c.-46+569G>C (NM_001387442.1, NM_001290265.2); short protein forms W27C.
Identifiers: ClinVar variation 1958408 (VCV001958408.5), dbSNP rs1293890316, ClinGen allele CA404868718.

ClinVar aggregate classification (germline): Uncertain significance (1 of 4 stars; one submission).

Conditions:
Progressive myoclonic epilepsy type 8. Identifiers: Orphanet 424027, MedGen C5190825, MONDO:0014545, OMIM 616230.

Allele frequency attached by ClinVar (database versions not stated): TOPMed below 0.00001.

Submission:

Labcorp Genetics (formerly Invitae), Labcorp
Classification: Uncertain significance for Progressive myoclonic epilepsy type 8. Last evaluated: 2021-12-18. Review status: criteria provided, single submitter. Criteria: Invitae Variant Classification Sherloc (09022015). Collection method: clinical testing. Allele origin: germline.
Comment: This sequence change replaces tryptophan, which is neutral and slightly polar, with cysteine, which is neutral and slightly polar, at codon 27 of the CERS1 protein (p.Trp27Cys). The frequency data for this variant in the population databases is considered unreliable, as metrics indicate insufficient coverage at this position in the gnomAD database. In summary, the available evidence is currently insufficient to determine the role of this variant in disease. Therefore, it has been classified as a Variant of Uncertain Significance. Algorithms developed to predict the effect of missense changes on protein structure and function are either unavailable or do not agree on the potential impact of this missense change (SIFT: "Tolerated"; PolyPhen-2: "Possibly Damaging"; Align-GVGD: "Class C0"). This variant has not been reported in the literature in individuals affected with CERS1-related conditions.